The following is an entry in ClinVar:

NM_000430.4(PAFAH1B1):c.608A>G (p.Asn203Ser)

Gene: PAFAH1B1 (platelet activating factor acetylhydrolase 1b regulatory subunit 1; plus strand). Cytogenetic location: 17p13.3.
Variant type: single nucleotide variant.
Coding change: c.608A>G on transcript NM_000430.4 (MANE Select); coding-DNA position 608, A replaced by G.
Protein change: p.Asn203Ser; replaces asparagine 203 with serine.
Molecular consequence: missense variant.
Genome position (GRCh38, 1-based): chr17:2,672,694, A>G. VCF-style: chr17-2672694-A-G. GRCh37 (hg19) VCF-style: chr17-2575988-A-G.
Other names: c.608A>G (NM_000430.3); short protein forms N203S.
Identifiers: ClinVar variation 1356339 (VCV001356339.10), dbSNP rs377583144, ClinGen allele CA8283228.
Genomic context (GRCh38, chr17:2,672,694, plus strand): 5'-TATTGCTGTTATGTGTTTTAGGCCATGACCACAATGTTTCTTCAGTAGCCATCATGCCCA[A>G]TGGAGATCATATAGTGTCTGCCTCAAGGGATAAAACTATAAAAATGTGGGAAGTGCAAAC-3'
Protein context (NP_000421.1, residues 193-213): HNVSSVAIMP[Asn203Ser]GDHIVSASRD

ClinVar aggregate classification (germline): Conflicting classifications of pathogenicity. Review status: criteria provided, conflicting classifications (1 of 4 stars). 4 submissions from 4 submitters: Uncertain significance (2); Benign (1). 1 of the submissions does not count toward it. Last evaluated 2025-10-28.

Conditions:
Inborn genetic diseases. Identifiers: MedGen C0950123, MeSH D030342.
PAFAH1B1-related disorder. Also called: PAFAH1B1-related condition.
Lissencephaly due to LIS1 mutation (LIS1). Also called: Isolated Lissencephaly Sequence; PAFAH1B1-Associated Lissencephaly/Subcortical Band Heterotopia; PAFAH1B1-Related Lissencephaly/Subcortical Band Heterotopia. Identifiers: Orphanet 95232, MedGen C4749301, MONDO:0011830, OMIM 607432.

Allele frequency attached by ClinVar (database versions not stated): ExAC 0.00005; TOPMed 0.00013; ESP Exome Variant Server 0.00015; gnomAD 0.00013 and 0.00014.
gnomAD v4.1: 92 of 1,613,430 alleles (0.0057%); highest among the groups gnomAD compares: African/African-American, 0.033%; 1 homozygote.

Submissions (4):

Labcorp Genetics (formerly Invitae), Labcorp
Classification: Benign. Last evaluated: 2025-10-28. Review status: criteria provided, single submitter. Criteria: Invitae Variant Classification Sherloc (09022015). Collection method: clinical testing. Allele origin: germline.

Fulgent Genetics
Classification: Uncertain significance for Lissencephaly due to LIS1 mutation. Last evaluated: 2021-08-09. Review status: criteria provided, single submitter. Criteria: ACMG Guidelines, 2015. Collection method: clinical testing. Allele origin: unknown.

Ambry Genetics
Classification: Uncertain significance for Inborn genetic diseases. Last evaluated: 2021-07-13. Review status: criteria provided, single submitter. Criteria: Ambry Variant Classification Scheme 2023. Collection method: clinical testing. Allele origin: germline.

PreventionGenetics, part of Exact Sciences
Classification: Likely benign for PAFAH1B1-related condition. Last evaluated: 2023-06-06. Review status: no assertion criteria provided. Collection method: clinical testing. Allele origin: germline. Not counted in ClinVar's aggregate classification.
Comment: This variant is classified as likely benign based on ACMG/AMP sequence variant interpretation guidelines (Richards et al. 2015 PMID: 25741868, with internal and published modifications).